The following is an entry in ClinVar:

ClinVar aggregate classification (germline): Uncertain significance (1 of 4 stars; one submission).

Conditions:
Progressive myoclonic epilepsy. Also called: Familial progressive myoclonic epilepsy; Myoclonus epilepsy; Progressive myoclonus epilepsy; Myoclonic Epilepsies, Progressive. Identifiers: Orphanet 308, Orphanet 98261, MedGen C0751778, MONDO:0020074.

Submission:

Labcorp Genetics (formerly Invitae), Labcorp
Classification: Uncertain significance for Progressive myoclonic epilepsy. Last evaluated: 2022-08-31. Review status: criteria provided, single submitter. Criteria: Invitae Variant Classification Sherloc (09022015). Collection method: clinical testing. Allele origin: germline.
Comment: This sequence change replaces glutamine, which is neutral and polar, with arginine, which is basic and polar, at codon 148 of the SCARB2 protein (p.Gln148Arg). This variant is not present in population databases (gnomAD no frequency). This variant has not been reported in the literature in individuals affected with SCARB2-related conditions. ClinVar contains an entry for this variant (Variation ID: 579165). Algorithms developed to predict the effect of missense changes on protein structure and function output the following: SIFT: "Tolerated"; PolyPhen-2: "Benign"; Align-GVGD: "Class C0". The arginine amino acid residue is found in multiple mammalian species, which suggests that this missense change does not adversely affect protein function. Algorithms developed to predict the effect of sequence changes on RNA splicing suggest that this variant may create or strengthen a splice site. In summary, the available evidence is currently insufficient to determine the role of this variant in disease. Therefore, it has been classified as a Variant of Uncertain Significance.

NM_005506.4(SCARB2):c.443A>G (p.Gln148Arg)

Gene: SCARB2 (scavenger receptor class B member 2; minus strand). Cytogenetic location: 4q21.1.
Variant type: single nucleotide variant.
Coding change: c.443A>G on transcript NM_005506.4 (MANE Select); coding-DNA position 443, A replaced by G.
Protein change: p.Gln148Arg; replaces glutamine 148 with arginine.
Molecular consequence: missense variant. On other transcripts: intron variant (1).
Genome position (GRCh38, 1-based): chr4:76,179,686, T>C on the plus strand (A>G on the coding strand, the complement: SCARB2 is on the minus strand). VCF-style: chr4-76179686-T-C. GRCh37 (hg19) VCF-style: chr4-77100839-T-C.
Other names: c.276-3776A>G (NM_001204255.2); short protein forms Q148R.
Identifiers: ClinVar variation 579165 (VCV000579165.7), dbSNP rs1560710284, ClinGen allele CA357327024.